The following is an entry in ClinVar:

NM_002693.3(POLG):c.1640C>A (p.Ala547Asp)

Gene: POLG (DNA polymerase gamma, catalytic subunit; minus strand). Cytogenetic location: 15q26.1.
Variant type: single nucleotide variant.
Coding change: c.1640C>A on transcript NM_002693.3 (MANE Select); coding-DNA position 1640, C replaced by A.
Protein change: p.Ala547Asp; replaces alanine 547 with aspartic acid.
Molecular consequence: missense variant.
Genome position (GRCh38, 1-based): chr15:89,326,684, G>T on the plus strand (C>A on the coding strand, the complement: POLG is on the minus strand). VCF-style: chr15-89326684-G-T. GRCh37 (hg19) VCF-style: chr15-89869915-G-T.
Other names: c.1640C>A, p.Ala547Asp (NM_001126131.2); short protein forms A547D.
Identifiers: ClinVar variation 619319 (VCV000619319.43), dbSNP rs1567190832, ClinGen allele CA10602198.
Genomic context (GRCh38, chr15:89,326,684, plus strand): 5'-GGAAGGTGCTGGGGCCGCTTGGGCAGGAGCTCTGTGGTCCCCTTCAGCTTCTGCAAGCAG[G>T]CGCGGGCCATGACATCTTGTTGAAACTCCTCCTCCTCACTGCAGGGGCCGAGGTCTGTGA-3'
Protein context (NP_002684.1, residues 537-557): EEFQQDVMAR[Ala547Asp]CLQKLKGTTE

ClinVar aggregate classification (germline): Uncertain significance. Review status: criteria provided, multiple submitters, no conflicts (2 of 4 stars). 2 submissions from 2 submitters: Uncertain significance (2). Last evaluated 2018-10-01.

Conditions:
Progressive sclerosing poliodystrophy (MTDPS4A). Also called: Mitochondrial DNA Depletion Syndrome 4A; Mitochondrial DNA depletion syndrome 4A (Alpers type); NEURONAL DEGENERATION OF CHILDHOOD WITH LIVER DISEASE, PROGRESSIVE; Alpers-Huttenlocher Syndrome (AHS); ALPERS PROGRESSIVE INFANTILE POLIODYSTROPHY; Alpers Syndrome. Identifiers: Orphanet 726, MedGen C0205710, MONDO:0008758, OMIM 203700.

Submissions (2):

Wong Mito Lab, Molecular and Human Genetics, Baylor College of Medicine
Classification: Uncertain significance for Progressive sclerosing poliodystrophy. Last evaluated: 2018-10-01. Review status: criteria provided, single submitter. Criteria: ACMG Guidelines, 2015. Collection method: clinical testing. Allele origin: germline.
Comment: The NM_002693.2:c.1640C>A (NP_002684.1:p.Ala547Asp) [GRCH38: NC_000015.10:g.89326684G>T] variant in POLG gene is interpretated to be a Uncertain Significance based on ACMG guidelines (PMID: 25741868). This variant meets the following evidence codes reported in the ACMG-guideline. BP4:Computational evidence/predictors indicate no impact on the POLG structure, function, or protein-protein interaction. Based on the evidence criteria codes applied, the variant is suggested to be Uncertain Significance.

CeGaT Center for Human Genetics Tuebingen
Classification: Uncertain significance. Last evaluated: 2016-06-01. Review status: criteria provided, single submitter. Criteria: CeGaT Center For Human Genetics Tuebingen Variant Classification Criteria Version 2. Collection method: clinical testing. Allele origin: germline. Affected: yes. Observed: 1 variant allele.